The following is an entry in ClinVar:

ClinVar aggregate classification (germline): Uncertain significance. Review status: criteria provided, single submitter (1 of 4 stars). 3 submissions from 3 submitters: Uncertain significance (1). 2 of the submissions do not count toward it. Last evaluated 2025-10-13.

Conditions:
Meniere disease. Also called: Ménière's disease. Identifiers: MedGen C0025281, MONDO:0007972, OMIM 156000.

Allele frequency attached by ClinVar (database versions not stated): gnomAD 0.00001; gnomAD exomes 0.00001 and 0.00002; TOPMed 0.00001; ExAC 0.00002.
gnomAD v4.1: 21 of 1,612,858 alleles (0.0013%); highest among the groups gnomAD compares: East Asian, 0.0089%; no homozygotes.

Submissions (3):

Labcorp Genetics (formerly Invitae), Labcorp
Classification: Uncertain significance. Last evaluated: 2025-10-13. Review status: criteria provided, single submitter. Criteria: Invitae Variant Classification Sherloc (09022015). Collection method: clinical testing. Allele origin: germline.
Comment: This sequence change replaces arginine, which is basic and polar, with cysteine, which is neutral and slightly polar, at codon 63 of the TNNI3K protein (p.Arg63Cys). This variant is present in population databases (rs79045456, gnomAD 0.03%). This variant has not been reported in the literature in individuals affected with TNNI3K-related conditions. ClinVar contains an entry for this variant (Variation ID: 1049591). Invitae Evidence Modeling of protein sequence and biophysical properties (such as structural, functional, and spatial information, amino acid conservation, physicochemical variation, residue mobility, and thermodynamic stability) indicates that this missense variant is not expected to disrupt TNNI3K protein function with a negative predictive value of 80%. In summary, the available evidence is currently insufficient to determine the role of this variant in disease. Therefore, it has been classified as a Variant of Uncertain Significance.

Center for Computational Biology & Bioinformatics, University of California, San Diego
Classification: Uncertain significance for Meniere disease. Last evaluated: 2024-06-03. Review status: no assertion criteria provided. Collection method: research. Allele origin: germline. Affected: yes. Not counted in ClinVar's aggregate classification.

Department of Pathology and Laboratory Medicine, Sinai Health System
Classification: Uncertain significance. Review status: no assertion criteria provided. Collection method: clinical testing. Allele origin: unknown. Affected: yes. Study: The Canadian Open Genetics Repository (COGR). Not counted in ClinVar's aggregate classification.
Comment: The TNNI3K p.R63C variant was not identified in the literature nor was it identified in ClinVar. The variant was identified in dbSNP (ID: rs79045456) and in control databases in 8 of 282308 chromosomes at a frequency of 0.00002834, and was observed at the highest frequency in the East Asian population in 6 of 19924 chromosomes (freq: 0.0003011) (Genome Aggregation Database March 6, 2019, v2.1.1). The p.R63 residue is conserved in mammals and computational analyses (MUT Assesor, PolyPhen-2, SIFT, MutationTaster, Revel, FATHMM, MetaLR, DANN) provide inconsistent predictions regarding the impact to the protein; this information is not very predictive of pathogenicity. The variant occurs outside of the splicing consensus sequence and in silico or computational prediction software programs (Splice AI exome) do not predict a difference in splicing. In summary, based on the above information the clinical significance of this variant cannot be determined with certainty at this time. This variant is classified as a variant of uncertain significance.

NM_015978.3(TNNI3K):c.187C>T (p.Arg63Cys)

Genes: FPGT-TNNI3K (FPGT-TNNI3K readthrough; plus strand), TNNI3K (TNNI3 interacting kinase; plus strand). Cytogenetic location: 1p31.1.
Variant type: single nucleotide variant.
Coding change: c.187C>T on transcript NM_015978.3 (MANE Select); coding-DNA position 187, C replaced by T.
Protein change: p.Arg63Cys; replaces arginine 63 with cysteine.
Molecular consequence: missense variant.
Genome position (GRCh38, 1-based): chr1:74,249,496, C>T. VCF-style: chr1-74249496-C-T. GRCh37 (hg19) VCF-style: chr1-74715180-C-T.
Other names: c.490C>T, p.Arg164Cys (NM_001112808.3, NM_001199327.2); short protein forms R164C, R63C.
Identifiers: ClinVar variation 1049591 (VCV001049591.10), dbSNP rs79045456, ClinGen allele CA908798.
Genomic context (GRCh38, chr1:74,249,496, plus strand): 5'-CATCTGTAACATGTTTTTTTCAGCTCTGATGAAGCCTTCAGTAAAGTCAATTTAAATTAC[C>T]GCACTGAAAATGGGCTGTCTCTACTTCATTTATGTTGCATTTGTGGAGGTGAGTACTTGA-3'
Protein context (NP_057062.1, residues 53-73): EAFSKVNLNY[Arg63Cys]TENGLSLLHL